The following is an entry in ClinVar:

ClinVar aggregate classification (germline): Uncertain significance. Review status: criteria provided, multiple submitters, no conflicts (2 of 4 stars). 2 submissions from 2 submitters: Uncertain significance (2). Last evaluated 2025-02-28.

Conditions:
Cardiomyopathy (CMYO). Also called: Cardiomyopathies. Identifiers: Orphanet 167848, MedGen C0878544, MONDO:0004994, HP:0001638. Inheritance: Various modes of inheritance.
Arrhythmogenic cardiomyopathy with wooly hair and keratoderma. Also called: PALMOPLANTAR KERATODERMA WITH LEFT VENTRICULAR CARDIOMYOPATHY AND WOOLLY HAIR; Carvajal syndrome; Arrhythmogenic cardiomyopathy with woolly hair and keratoderma; Dilated cardiomyopathy with woolly hair and keratoderma. Identifiers: Orphanet 65282, MedGen C1854063, MONDO:0011581, OMIM 605676.
Arrhythmogenic right ventricular dysplasia 8 (ARVD8). Also called: Arrhythmogenic Right Ventricular Dysplasia/Cardiomyopathy 8; ARRHYTHMOGENIC RIGHT VENTRICULAR DYSPLASIA, FAMILIAL, 8; ARRHYTHMOGENIC RIGHT VENTRICULAR CARDIOMYOPATHY 8. Identifiers: MedGen C1843896, MONDO:0011831, OMIM 607450.

Allele frequency attached by ClinVar (database versions not stated): gnomAD exomes 0.00001.
gnomAD v4.1: 3 of 1,613,764 alleles (0.00019%); highest among the groups gnomAD compares: Non-Finnish European, 0.00025%; no homozygotes.

Submissions (2):

Labcorp Genetics (formerly Invitae), Labcorp
Classification: Uncertain significance for Arrhythmogenic cardiomyopathy with wooly hair and keratoderma; Arrhythmogenic right ventricular dysplasia 8. Last evaluated: 2025-02-28. Review status: criteria provided, single submitter. Criteria: Invitae Variant Classification Sherloc (09022015). Collection method: clinical testing. Allele origin: germline.
Comment: This sequence change replaces glutamic acid, which is acidic and polar, with lysine, which is basic and polar, at codon 1170 of the DSP protein (p.Glu1170Lys). This variant is not present in population databases (gnomAD no frequency). This variant has not been reported in the literature in individuals affected with DSP-related conditions. ClinVar contains an entry for this variant (Variation ID: 2931057). An algorithm developed to predict the effect of missense changes on protein structure and function (PolyPhen-2) suggests that this variant is likely to be disruptive. In summary, the available evidence is currently insufficient to determine the role of this variant in disease. Therefore, it has been classified as a Variant of Uncertain Significance.

Color Diagnostics, LLC DBA Color Health
Classification: Uncertain significance for Cardiomyopathy. Last evaluated: 2024-09-17. Review status: criteria provided, single submitter. Criteria: ACMG Guidelines, 2015. Collection method: clinical testing. Allele origin: germline.
Comment: This missense variant replaces glutamic acid with lysine at codon 1170 of the DSP protein. Computational prediction is inconclusive regarding the impact of this variant on protein structure and function (internally defined REVEL score threshold 0.5 < inconclusive < 0.7, PMID: 27666373). To our knowledge, functional studies have not been reported for this variant. This variant has not been reported in individuals affected with DSP-related disorders in the literature. This variant has not been identified in the general population by the Genome Aggregation Database (gnomAD). The available evidence is insufficient to determine the role of this variant in disease conclusively. Therefore, this variant is classified as a Variant of Uncertain Significance.

NM_004415.4(DSP):c.3508G>A (p.Glu1170Lys)

Gene: DSP (desmoplakin; plus strand). Cytogenetic location: 6p24.3.
Variant type: single nucleotide variant.
Coding change: c.3508G>A on transcript NM_004415.4 (MANE Select); coding-DNA position 3508, G replaced by A.
Protein change: p.Glu1170Lys; replaces glutamic acid 1170 with lysine.
Molecular consequence: missense variant.
Genome position (GRCh38, 1-based): chr6:7,579,698, G>A. VCF-style: chr6-7579698-G-A. GRCh37 (hg19) VCF-style: chr6-7579931-G-A.
Other names: c.3508G>A, p.Glu1170Lys (NM_001008844.3, NM_001319034.2); short protein forms E1170K.
Identifiers: ClinVar variation 2931057 (VCV002931057.4), dbSNP rs139582608, ClinGen allele CA133968478.